The following is an entry in ClinVar:

NM_000179.3(MSH6):c.2603T>C (p.Met868Thr)

Gene: MSH6 (mutS homolog 6; plus strand). Cytogenetic location: 2p16.3.
Variant type: single nucleotide variant.
Coding change: c.2603T>C on transcript NM_000179.3 (MANE Select); coding-DNA position 2603, T replaced by C.
Protein change: p.Met868Thr; replaces methionine 868 with threonine.
Molecular consequence: missense variant.
Genome position (GRCh38, 1-based): chr2:47,800,586, T>C. VCF-style: chr2-47800586-T-C. GRCh37 (hg19) VCF-style: chr2-48027725-T-C.
Other names: c.2213T>C, p.Met738Thr (NM_001281492.2); c.1697T>C, p.Met566Thr (NM_001281493.2, NM_001281494.2); short protein forms M868T, M566T, M738T.
Identifiers: ClinVar variation 410399 (VCV000410399.19), dbSNP rs780280765, ClinGen allele CA069266.

ClinVar aggregate classification (germline): Conflicting classifications of pathogenicity. Review status: criteria provided, conflicting classifications (1 of 4 stars). 6 submissions from 6 submitters: Uncertain significance (5); Likely benign (1). Last evaluated 2025-08-20.

Conditions:
Hereditary nonpolyposis colorectal neoplasms. Identifiers: MedGen C0009405, MeSH D003123.
Hereditary cancer-predisposing syndrome. Also called: Tumor predisposition; Hereditary Cancer Syndrome; Hereditary neoplastic syndrome; Neoplastic Syndromes, Hereditary. Identifiers: Orphanet 140162, MedGen C0027672, MeSH D009386, MONDO:0015356.
Lynch syndrome. Identifiers: Orphanet 144, MedGen C4552100, MONDO:0005835. Disease mechanism: loss of function.
Breast and/or ovarian cancer. Identifiers: MedGen CN221562.

Allele frequency attached by ClinVar (database versions not stated): gnomAD exomes below 0.00001 and 0.00001; TOPMed below 0.00001; ExAC 0.00001; gnomAD 0.00001.
gnomAD v4.1: 6 of 1,613,926 alleles (0.00037%); highest among the groups gnomAD compares: Admixed American, 0.0017%; no homozygotes.

Submissions (6):

Labcorp Genetics (formerly Invitae), Labcorp
Classification: Likely benign for Hereditary nonpolyposis colorectal neoplasms. Last evaluated: 2025-08-20. Review status: criteria provided, single submitter. Criteria: Invitae Variant Classification Sherloc (09022015). Collection method: clinical testing. Allele origin: germline.

Ambry Genetics
Classification: Uncertain significance for Hereditary cancer-predisposing syndrome. Last evaluated: 2023-11-13. Review status: criteria provided, single submitter. Criteria: Ambry Variant Classification Scheme 2023. Collection method: clinical testing. Allele origin: germline.
Comment: The p.M868T variant (also known as c.2603T>C), located in coding exon 4 of the MSH6 gene, results from a T to C substitution at nucleotide position 2603. The methionine at codon 868 is replaced by threonine, an amino acid with similar properties. This amino acid position is not well conserved in available vertebrate species. In addition, the in silico prediction for this alteration is inconclusive. Since supporting evidence is limited at this time, the clinical significance of this alteration remains unclear.

All of Us Research Program, National Institutes of Health
Classification: Uncertain significance for Lynch syndrome. Last evaluated: 2023-06-28. Review status: criteria provided, single submitter. Criteria: ACMG Guidelines, 2015. Collection method: clinical testing. Allele origin: germline. Inheritance: Autosomal dominant inheritance. Observed: 1 variant allele, 1 heterozygote.
Comment: This missense variant replaces methionine with threonine at codon 868 of the MSH6 protein. Computational prediction suggests that this variant may not impact protein structure and function (internally defined REVEL score threshold <= 0.5, PMID: 27666373). To our knowledge, functional studies have not been reported for this variant. This variant has not been reported in individuals affected with hereditary cancer in the literature. This variant has been identified in 1/249912 chromosomes in the general population by the Genome Aggregation Database (gnomAD). The available evidence is insufficient to determine the role of this variant in disease conclusively. Therefore, this variant is classified as a Variant of Uncertain Significance.

This study involves interpretation of variants in research participants for the purpose of population health screening. Participant phenotype was not available at the time of variant classification. Additional details can be found in publication PMID: 35346344, PMCID: PMC8962531

GeneDx
Classification: Uncertain significance. Last evaluated: 2022-04-06. Review status: criteria provided, single submitter. Criteria: GeneDx Variant Classification Process June 2021. Collection method: clinical testing. Allele origin: germline. Affected: yes.
Comment: Not observed at significant frequency in large population cohorts (gnomAD); In silico analysis supports that this missense variant does not alter protein structure/function; Has not been previously published as pathogenic or benign to our knowledge; This variant is associated with the following publications: (PMID: 17531815, 21120944)

CHEO Genetics Diagnostic Laboratory, Children's Hospital of Eastern Ontario
Classification: Uncertain significance for Breast and/or ovarian cancer. Last evaluated: 2021-05-05. Review status: criteria provided, single submitter. Criteria: ACMG Guidelines, 2015. Collection method: clinical testing. Allele origin: germline.

Color Diagnostics, LLC DBA Color Health
Classification: Uncertain significance for Hereditary cancer-predisposing syndrome. Last evaluated: 2020-06-05. Review status: criteria provided, single submitter. Criteria: ACMG Guidelines, 2015. Collection method: clinical testing. Allele origin: germline.
Comment: This missense variant replaces methionine with threonine at codon 868 of the MSH6 protein. Computational prediction suggests that this variant may not impact protein structure and function (internally defined REVEL score threshold <= 0.5, PMID: 27666373). To our knowledge, functional studies have not been reported for this variant. This variant has not been reported in individuals affected with hereditary cancer in the literature. This variant has been identified in 1/249912 chromosomes in the general population by the Genome Aggregation Database (gnomAD). The available evidence is insufficient to determine the role of this variant in disease conclusively. Therefore, this variant is classified as a Variant of Uncertain Significance.

Literature cited by the submitters: PubMed 27294619 (cited by Ambry Genetics).